The following is an entry in ClinVar:

ClinVar aggregate classification (germline): Pathogenic (1 of 4 stars; one submission).

Conditions:
Nance-Horan syndrome (NHS). Identifiers: Orphanet 627, MedGen C0796085, MONDO:0010545, OMIM 302350.

Submission:

Labcorp Genetics (formerly Invitae), Labcorp
Classification: Pathogenic for Nance-Horan syndrome. Last evaluated: 2023-05-12. Review status: criteria provided, single submitter. Criteria: Invitae Variant Classification Sherloc (09022015). Collection method: clinical testing. Allele origin: germline.
Comment: This variant is not present in population databases (gnomAD no frequency). For these reasons, this variant has been classified as Pathogenic. This variant has not been reported in the literature in individuals affected with NHS-related conditions. This sequence change creates a premature translational stop signal (p.His1082Alafs*6) in the NHS gene. It is expected to result in an absent or disrupted protein product. Loss-of-function variants in NHS are known to be pathogenic (PMID: 14564667, 19414485).

Literature cited by the submitters: PubMed 14564667; PubMed 19414485.

NM_001291867.2(NHS):c.3307_3323del (p.His1103fs)

Gene: NHS (NHS actin remodeling regulator; plus strand). Cytogenetic location: Xp22.13.
Variant type: Deletion.
Coding change: c.3307_3323del on transcript NM_001291867.2 (MANE Select); coding-DNA positions 3307 to 3323, 17 bases deleted (CACCACCGTCATCCACT).
Protein change: p.His1103fs; shifts the reading frame from histidine 1103.
Molecular consequence: frameshift variant.
Genome position (GRCh38, 1-based): chrX:17,727,413-17,727,429, CACCACCGTCATCCACT deleted. VCF-style (leftmost placement, unchanged base first): chrX-17727412-CCACCACCGTCATCCACT-C. GRCh37 (hg19) VCF-style: chrX-17745532-CCACCACCGTCATCCACT-C.
Other names: c.2776_2792del, p.His926fs (NM_001136024.4); c.2713_2729del, p.His905fs (NM_001291868.2); c.3244_3260del, p.His1082fs (NM_198270.4); short protein forms H1103fs, H905fs, H1082fs, H926fs.
Identifiers: ClinVar variation 2851377 (VCV002851377.3), dbSNP rs2519939810, ClinGen allele CA2739268096.